The following is an entry in ClinVar:

NM_000709.4(BCKDHA):c.1251del (p.Ala418fs)

Gene: BCKDHA (branched chain keto acid dehydrogenase E1 subunit alpha; plus strand). Cytogenetic location: 19q13.2.
Variant type: Deletion.
Coding change: c.1251del on transcript NM_000709.4 (MANE Select); coding-DNA position 1251, one base deleted (C; older notation c.1251delC).
Protein change: p.Ala418fs; shifts the reading frame from alanine 418.
Molecular consequence: frameshift variant.
Genome position (GRCh38, 1-based): chr19:41,424,521, C deleted; the last of 3 consecutive C bases (chr19:41,424,519-41,424,521); deleting any one gives the same sequence. VCF-style (leftmost placement, unchanged base first): chr19-41424518-GC-G. GRCh37 (hg19) VCF-style: chr19-41930423-GC-G.
Other names: c.1248del, p.Ala417fs (NM_001164783.2); c.1251delC (NM_000709.3); c.1251del (NM_000709.3); short protein forms A417fs, A418fs.
Identifiers: ClinVar variation 2627668 (VCV002627668.2), dbSNP rs2513462341, ClinGen allele CA2586963979.

ClinVar aggregate classification (germline): Likely pathogenic. Review status: criteria provided, multiple submitters, no conflicts (2 of 4 stars). 2 submissions from 2 submitters: Likely pathogenic (2). Last evaluated 2025-07-28.

Conditions:
Maple syrup urine disease (MSUD). Identifiers: Orphanet 511, MedGen C0024776, MeSH D008375, MONDO:0009563. Disease mechanism: loss of function.
Maple syrup urine disease type 1A (MSUD1A). Also called: MSUD type 1A. Identifiers: MedGen C1855369, MONDO:0023691, OMIM 248600.

Submissions (2):

Natera, Inc.
Classification: Likely pathogenic for Maple syrup urine disease type 1A. Last evaluated: 2025-07-28. Review status: criteria provided, single submitter. Criteria: Natera Variant Classification Schema (03/2026). Collection method: clinical testing. Allele origin: germline.
Comment: The c.1251del variant in BCKDHA is a frameshift variant predicted to elongate the protein beyond the termination codon. This variant is expected to result in nonsense mediated decay, truncation, or a dysfunctional protein product. This variant is rare in the general population with a frequency below the threshold expected for the associated phenotype(s). This variant has been observed in one or more individuals affected with the associated recessive disease, as either homozygous or compound heterozygous with a second variant (PMID: 22593002). Given the available evidence, this variant is classified as Likely Pathogenic.

Neuberg Centre For Genomic Medicine, NCGM
Classification: Likely pathogenic for Maple syrup urine disease type 1A. Review status: criteria provided, single submitter. Criteria: ACMG Guidelines, 2015. Collection method: clinical testing. Allele origin: germline. Inheritance: Autosomal recessive inheritance. Affected: yes.
Comment: The frameshift deletion p.A418Pfs in BCKDHA (NM_000709.4) has not been reported previously as a pathogenic variant nor as a benign variant, to our knowledge. The p.A418Pfs variant is novel (not in any individuals) in gnomAD Exomes and is novel (not in any individuals) in 1000 Genomes. This variant is predicted to cause loss of normal protein function through protein truncation caused a frameshift mutation. The p.A418Pfs variant is a loss of function variant in the gene BCKDHA, which is intolerant of Loss of Function variants, as indicated by the presence of existing pathogenic loss of function variant NP_000700.1:p.I5Tfs*9 and 26 others. There are 5 downstream pathogenic loss of function variants, with the furthest variant being 20 residues downstream of the variant p.A418Pfs. For these reasons, this variant has been classified as Likely Pathogenic.

Literature cited by the submitters: PubMed 22593002 (cited by Natera, Inc.).